The following is an entry in ClinVar:

NM_004456.5(EZH2):c.1947G>A (p.Glu649=)

Gene: EZH2 (enhancer of zeste 2 polycomb repressive complex 2 subunit; minus strand). Cytogenetic location: 7q36.1.
Variant type: single nucleotide variant.
Coding change: c.1947G>A on transcript NM_004456.5 (MANE Select); coding-DNA position 1947, G replaced by A.
Protein change: p.Glu649=; no amino-acid change (glutamic acid 649 retained).
Molecular consequence: synonymous variant.
Genome position (GRCh38, 1-based): chr7:148,811,625, C>T on the plus strand (G>A on the coding strand, the complement: EZH2 is on the minus strand). VCF-style: chr7-148811625-C-T. GRCh37 (hg19) VCF-style: chr7-148508717-C-T.
Other names: c.1932G>A, p.Glu644= (NM_001203247.2); c.1905G>A, p.Glu635= (NM_001203248.2); c.1779G>A, p.Glu593= (NM_001203249.2); c.1815G>A, p.Glu605= (NM_152998.3).
Identifiers: ClinVar variation 842275 (VCV000842275.9), dbSNP rs760495918, ClinGen allele CA4547760.
Genomic context (GRCh38, chr7:148,811,625, plus strand): 5'-TAAAATAAAGTAAAGTTAGTATATACAATGCCACCTGAATACAGGTTATCAGTGCCTTAC[C>T]TCTCCACAGTATTCTGAGATGAATTCATTTTTCTGCACAGGATCTTTGATAAAAATCCCC-3'
Protein context (NP_004447.2, residues 639-659): KNEFISEYCG[Glu649=]IISQDEADRR

ClinVar aggregate classification (germline): Uncertain significance (1 of 4 stars; one submission).

Conditions:
Weaver syndrome (WVS). Also called: Weaver Smith syndrome; Overgrowth syndrome with accelerated skeletal maturation, unusual facies, and camptodactyly. Identifiers: Orphanet 3447, MedGen C0265210, MONDO:0010193, OMIM 277590.

Allele frequency attached by ClinVar (database versions not stated): ExAC 0.00001; gnomAD exomes 0.00002 and 0.00007; TOPMed 0.00006; gnomAD 0.00007.
gnomAD v4.1: 106 of 1,612,492 alleles (0.0066%); highest among the groups gnomAD compares: Non-Finnish European, 0.0087%; no homozygotes.

Submissions (3):

Labcorp Genetics (formerly Invitae), Labcorp
Classification: Uncertain significance for Weaver syndrome. Last evaluated: 2024-09-10. Review status: criteria provided, single submitter. Criteria: Invitae Variant Classification Sherloc (09022015). Collection method: clinical testing. Allele origin: germline.
Comment: This sequence change affects codon 649 of the EZH2 mRNA. It is a 'silent' change, meaning that it does not change the encoded amino acid sequence of the EZH2 protein. This variant also falls at the last nucleotide of exon 16, which is part of the consensus splice site for this exon. This variant is present in population databases (rs760495918, gnomAD 0.006%). This variant has not been reported in the literature in individuals affected with EZH2-related conditions. ClinVar contains an entry for this variant (Variation ID: 842275). Variants that disrupt the consensus splice site are a relatively common cause of aberrant splicing (PMID: 17576681, 9536098). Algorithms developed to predict the effect of sequence changes on RNA splicing suggest that this variant may disrupt the consensus splice site. In summary, the available evidence is currently insufficient to determine the role of this variant in disease. Therefore, it has been classified as a Variant of Uncertain Significance.

Dr. Peter K. Rogan Lab, Western University
No classification provided (evidence only). Condition: Malignant tumor of urinary bladder. Review status: no classification provided. Collection method: in vitro. Allele origin: not applicable. Functional consequence: skipped exon, retained intron. Not counted in ClinVar's aggregate classification.

Dr. Peter K. Rogan Lab, Western University
No classification provided (evidence only). Condition: Adrenocortical carcinoma, hereditary. Review status: no classification provided. Collection method: in vitro. Allele origin: not applicable. Functional consequence: retained intron. Not counted in ClinVar's aggregate classification.

Literature cited by the submitters: PubMed 17576681 (cited by Labcorp Genetics (formerly Invitae), Labcorp); PubMed 9536098 (cited by Labcorp Genetics (formerly Invitae), Labcorp).